The following is an entry in ClinVar:

ClinVar aggregate classification (germline): Likely benign (1 of 4 stars; one submission).

Submission:

CeGaT Center for Human Genetics Tuebingen
Classification: Likely benign. Last evaluated: 2022-12-01. Review status: criteria provided, single submitter. Criteria: CeGaT Center For Human Genetics Tuebingen Variant Classification Criteria Version 2. Collection method: clinical testing. Allele origin: germline. Affected: yes. Observed: 1 variant allele.
Comment: KCNC3: PM2:Supporting, BP4, BP7

NM_004977.3(KCNC3):c.687C>T (p.Gly229=)

Gene: KCNC3 (potassium voltage-gated channel subfamily C member 3; minus strand). Cytogenetic location: 19q13.33.
Variant type: single nucleotide variant.
Coding change: c.687C>T on transcript NM_004977.3 (MANE Select); coding-DNA position 687, C replaced by T.
Protein change: p.Gly229=; no amino-acid change (glycine 229 retained).
Molecular consequence: synonymous variant.
Genome position (GRCh38, 1-based): chr19:50,328,396, G>A on the plus strand (C>T on the coding strand, the complement: KCNC3 is on the minus strand). VCF-style: chr19-50328396-G-A. GRCh37 (hg19) VCF-style: chr19-50831653-G-A.
Other names: c.459C>T, p.Gly153= (NM_001372305.1).
Identifiers: ClinVar variation 2650326 (VCV002650326.24), dbSNP rs2037133678, ClinGen allele CA508303351.
Genomic context (GRCh38, chr19:50,328,396, plus strand): 5'-GTCCTGGAAGCAGAGGCGCTTGAGCTCGCCGCCCGCTCCGTCCAGGCCGCCGCCGCCCGC[G>A]CCCGCCTCGTCGTCCAGGCCTCCGTCGTGGGCGCCTGCGGCGTTGGCGGCGTTGGCGGCG-3'
Protein context (NP_004968.2, residues 219-239): AHDGGLDDEA[Gly229=]AGGGGLDGAG